The following is an entry in ClinVar:

NM_000422.3(KRT17):c.667G>A (p.Glu223Lys)

Gene: KRT17 (keratin 17; minus strand). Cytogenetic location: 17q21.2.
Variant type: single nucleotide variant.
Coding change: c.667G>A on transcript NM_000422.3 (MANE Select); coding-DNA position 667, G replaced by A.
Protein change: p.Glu223Lys; replaces glutamic acid 223 with lysine.
Molecular consequence: missense variant.
Genome position (GRCh38, 1-based): chr17:41,622,360, C>T on the plus strand (G>A on the coding strand, the complement: KRT17 is on the minus strand). VCF-style: chr17-41622360-C-T. GRCh37 (hg19) VCF-style: chr17-39778612-C-T.
Other names: short protein forms E223K.
Identifiers: ClinVar variation 768883 (VCV000768883.12), dbSNP rs140804147, ClinGen allele CA8563661.
Genomic context (GRCh38, chr17:41,622,360, plus strand): 5'-AGGGCTCTGCCACCCACTCCTCAGCATCTTTGACCTTCTGCCCCAGCCACCTCACCTCCT[C>T]GTGGTTCTTCTTCAGGTAGGCCAGCTCCTCCTTGAGGTTCTCAATCTGCATCTCCAGGTC-3'
Protein context (NP_000413.1, residues 213-233): EELAYLKKNH[Glu223Lys]EEMNALRGQV

ClinVar aggregate classification (germline): Benign. Review status: criteria provided, multiple submitters, no conflicts (2 of 4 stars). 3 submissions from 3 submitters: Benign (2). 1 of the submissions does not count toward it. Last evaluated 2026-01-27.

Conditions:
KRT17-related disorder. Also called: KRT17-related condition.

Allele frequency attached by ClinVar (database versions not stated): ExAC 0.00724; gnomAD 0.02287 and 0.02131; TOPMed 0.02458; 1000 Genomes Project 0.02396; ESP Exome Variant Server 0.02685; 1000 Genomes Project 30x 0.02452.
gnomAD v4.1: 6,500 of 1,613,396 alleles (0.4%); highest among the groups gnomAD compares: African/African-American, 7.5%; 224 homozygotes.

Submissions (3):

Labcorp Genetics (formerly Invitae), Labcorp
Classification: Benign. Last evaluated: 2026-01-27. Review status: criteria provided, single submitter. Criteria: Invitae Variant Classification Sherloc (09022015). Collection method: clinical testing. Allele origin: germline.

Breakthrough Genomics
Classification: Benign. Review status: criteria provided, single submitter. Criteria: ACMG Guidelines, 2015. Collection method: not provided. Allele origin: germline. Inheritance: Autosomal dominant inheritance. Affected: yes.

PreventionGenetics, part of Exact Sciences
Classification: Benign for KRT17-related condition. Last evaluated: 2024-08-22. Review status: no assertion criteria provided. Collection method: clinical testing. Allele origin: germline. Not counted in ClinVar's aggregate classification.
Comment: This variant is classified as benign based on ACMG/AMP sequence variant interpretation guidelines (Richards et al. 2015 PMID: 25741868, with internal and published modifications).